The following is an entry in ClinVar:

NM_001394062.1(MACF1):c.11307A>C (p.Pro3769=)

Gene: MACF1 (microtubule actin crosslinking factor 1; plus strand). Cytogenetic location: 1p34.3.
Variant type: single nucleotide variant.
Coding change: c.11307A>C on transcript NM_001394062.1 (MANE Select); coding-DNA position 11307, A replaced by C.
Protein change: p.Pro3769=; no amino-acid change (proline 3769 retained).
Molecular consequence: synonymous variant.
Genome position (GRCh38, 1-based): chr1:39,353,114, A>C. VCF-style: chr1-39353114-A-C. GRCh37 (hg19) VCF-style: chr1-39818786-A-C.
Other names: c.5121A>C, p.Pro1707= (NM_012090.5).
Identifiers: ClinVar variation 2064945 (VCV002064945.13), dbSNP rs148218605, ClinGen allele CA781563.

ClinVar aggregate classification (germline): Benign/Likely benign. Review status: criteria provided, multiple submitters, no conflicts (2 of 4 stars). 4 submissions from 4 submitters: Benign (1); Likely benign (2). 1 of the submissions does not count toward it. Last evaluated 2026-08-01.

Conditions:
MACF1-related disorder. Also called: MACF1-related condition.

Allele frequency attached by ClinVar (database versions not stated): 1000 Genomes Project 0.00020; 1000 Genomes Project 30x 0.00031; ESP Exome Variant Server 0.00038; gnomAD 0.00044; TOPMed 0.00052.
gnomAD v4.1: 620 of 1,614,140 alleles (0.038%); highest among the groups gnomAD compares: Admixed American, 0.23%; 1 homozygote.

Submissions (4):

CeGaT Center for Human Genetics Tuebingen
Classification: Likely benign. Last evaluated: 2026-08-01. Review status: criteria provided, single submitter. Criteria: CeGaT Center For Human Genetics Tuebingen Variant Classification Criteria Version 2. Collection method: clinical testing. Allele origin: germline. Affected: yes. Observed: 2 variant alleles.
Comment: MACF1: BP4, BP7

Labcorp Genetics (formerly Invitae), Labcorp
Classification: Benign. Last evaluated: 2025-04-30. Review status: criteria provided, single submitter. Criteria: Invitae Variant Classification Sherloc (09022015). Collection method: clinical testing. Allele origin: germline.

Blueprint Genetics
Classification: Likely benign. Last evaluated: 2024-11-07. Review status: criteria provided, single submitter. Criteria: ACMG Guidelines, 2015. Collection method: clinical testing. Allele origin: germline.

PreventionGenetics, part of Exact Sciences
Classification: Likely benign for MACF1-related condition. Last evaluated: 2019-07-08. Review status: no assertion criteria provided. Collection method: clinical testing. Allele origin: germline. Not counted in ClinVar's aggregate classification.
Comment: This variant is classified as likely benign based on ACMG/AMP sequence variant interpretation guidelines (Richards et al. 2015 PMID: 25741868, with internal and published modifications).